The following is an entry in ClinVar:

ClinVar aggregate classification (germline): Uncertain significance. Review status: criteria provided, multiple submitters, no conflicts (2 of 4 stars). 2 submissions from 2 submitters: Uncertain significance (2). Last evaluated 2025-12-19.

Allele frequency attached by ClinVar (database versions not stated): ESP Exome Variant Server 0.00008.

Submissions (2):

Labcorp Genetics (formerly Invitae), Labcorp
Classification: Uncertain significance. Last evaluated: 2025-12-19. Review status: criteria provided, single submitter. Criteria: Invitae Variant Classification Sherloc (09022015). Collection method: clinical testing. Allele origin: germline.
Comment: This sequence change replaces arginine, which is basic and polar, with histidine, which is basic and polar, at codon 168 of the OR2W3 protein (p.Arg168His). This variant is present in population databases (rs375894650, gnomAD 0.02%). This variant has not been reported in the literature in individuals affected with OR2W3-related conditions. ClinVar contains an entry for this variant (Variation ID: 1496770). An algorithm developed to predict the effect of missense changes on protein structure and function outputs the following: PolyPhen-2: "Benign". The histidine amino acid residue is found in multiple mammalian species, which suggests that this missense change does not adversely affect protein function. In summary, the available evidence is currently insufficient to determine the role of this variant in disease. Therefore, it has been classified as a Variant of Uncertain Significance.

Breakthrough Genomics
Classification: Uncertain significance. Review status: criteria provided, single submitter. Criteria: ACMG Guidelines, 2015. Collection method: not provided. Allele origin: germline. Inheritance: Unknown mechanism. Affected: yes.

NM_001001957.2(OR2W3):c.503G>A (p.Arg168His)

Gene: OR2W3 (olfactory receptor family 2 subfamily W member 3; plus strand). Cytogenetic location: 1q44.
Variant type: single nucleotide variant.
Coding change: c.503G>A on transcript NM_001001957.2 (MANE Select); coding-DNA position 503, G replaced by A.
Protein change: p.Arg168His; replaces arginine 168 with histidine.
Molecular consequence: missense variant.
Genome position (GRCh38, 1-based): chr1:247,896,089, G>A. VCF-style: chr1-247896089-G-A. GRCh37 (hg19) VCF-style: chr1-248059391-G-A.
Other names: short protein forms R168H.
Identifiers: ClinVar variation 1496770 (VCV001496770.7), dbSNP rs375894650, ClinGen allele CA1498613.
Genomic context (GRCh38, chr1:247,896,089, plus strand): 5'-CCTGGGGCTGTGGGGTGGCCAACTCCTTGGCCATGTCTCCTGTGACCCTGCGCTTACCCC[G>A]CTGTGGGCACCACGAGGTGGACCACTTCCTGCGTGAGATGCCCGCCCTGATCCGGATGGC-3'
Protein context (NP_001001957.2, residues 158-178): AMSPVTLRLP[Arg168His]CGHHEVDHFL